The following is an entry in ClinVar:

ClinVar aggregate classification (germline): Likely benign (1 of 4 stars; one submission).

Conditions:
Leigh syndrome (NULS). Also called: Leigh's necrotizing encephalopathy; Leigh's disease; Leigh Syndrome (mtDNA deletion); Leigh Disease; Subacute necrotizing encephalopathy; Necrotizing encephalopathy infantile subacute of Leigh. Identifiers: Orphanet 506, MedGen C2931891, MONDO:0009723, OMIM 256000.

Submission:

Wong Mito Lab, Molecular and Human Genetics, Baylor College of Medicine
Classification: Likely benign for Leigh syndrome. Last evaluated: 2019-10-17. Review status: criteria provided, single submitter. Criteria: Modified ACMG Guidelines (Unpublished). Collection method: clinical testing. Allele origin: germline.
Comment: The NC_012920.1:m.6060A>G (YP_003024028.1:p.Ile53Val) variant in MTCO1 gene is interpretated to be a Likely Benign variant based on the modified ACMG guidelines (unpublished). This variant meets the following evidence codes: BS1, BP4

NC_012920.1(MT-CO1):m.6060A>G

Gene: MT-CO1 (mitochondrially encoded cytochrome c oxidase I; plus strand).
Variant type: single nucleotide variant.
Genome position: chrM-6060-A-G.
Identifiers: ClinVar variation 692613 (VCV000692613.1), dbSNP rs1603220250, ClinGen allele CA414781445.